The following is an entry in ClinVar:

NM_000392.5(ABCC2):c.4465_4473delinsGGCCCACAG (p.Ile1489_Ile1491delinsGlyProGln)

Gene: ABCC2 (ATP binding cassette subfamily C member 2; plus strand). Cytogenetic location: 10q24.2.
Variant type: Indel.
Coding change: c.4465_4473delinsGGCCCACAG on transcript NM_000392.5 (MANE Select); coding-DNA positions 4465 to 4473, ATCACCATC replaced by GGCCCACAG.
Protein change: p.Ile1489_Ile1491delinsGlyProGln.
Molecular consequence: missense variant.
Genome position (GRCh38, 1-based): chr10:99,850,753-99,850,761, ATCACCATC replaced by GGCCCACAG. VCF-style: chr10-99850753-ATCACCATC-GGCCCACAG. GRCh37 (hg19) VCF-style: chr10-101610510-ATCACCATC-GGCCCACAG.
Other names: c.4465_4473delinsGGCCCACAG (NM_000392.4).
Identifiers: ClinVar variation 3335969 (VCV003335969.5).

ClinVar aggregate classification (germline): Conflicting classifications of pathogenicity. Review status: criteria provided, conflicting classifications (1 of 4 stars). 4 submissions from 4 submitters: Pathogenic (1); Likely pathogenic (2); Uncertain significance (1). Last evaluated 2026-09-23.

Conditions:
Dubin-Johnson syndrome (DJS). Also called: HYPERBILIRUBINEMIA, DUBIN-JOHNSON TYPE; Hyperbilirubinemia type 2; Jaundice, Chronic Idiopathic. Identifiers: Orphanet 234, MedGen C0022350, MONDO:0009380, OMIM 237500.
ABCC2-related disorder. Also called: ABCC2-related condition.

Submissions (4):

PreventionGenetics, part of Exact Sciences
Classification: Pathogenic for ABCC2-related condition. Last evaluated: 2026-09-23. Review status: criteria provided, single submitter. Criteria: ACMG Guidelines, 2015. Collection method: clinical testing. Allele origin: germline.
Comment: The ABCC2 c.4465_4473delinsGGCCCACAG variant is predicted to result in an in-frame deletion and insertion. This variant has been reported in the compound heterozygous state to a second pathogenic variant in seven individuals with Dubin-Johnson syndrome and has been shown to segregate with disease in one family (Zhao et al. 2022. PubMed ID: 36092886; Zhou et al. 2022. PubMed ID: 36274106; Liu. et al. 2023. PubMed ID: 36406324; Long et al. 2024. PubMed ID: 39100650). This variant has also been described as c.4712_4720delinsGGCCCACAG, c.4465_4468delinsGGC, c.4472_4473delinsCAG, and as single variants (p.Ile1489Gly, p.Thr1490Pro, p.Ile1491Gln) on the same allele. This variant has not been reported in a large population database (gnomAD), indicating this variant is rare. This variant is interpreted as pathogenic.

Labcorp Genetics (formerly Invitae), Labcorp
Classification: Uncertain significance. Last evaluated: 2024-11-05. Review status: criteria provided, single submitter. Criteria: Invitae Variant Classification Sherloc (09022015). Collection method: clinical testing. Allele origin: germline.
Comment: This variant, c.4465_4473delinsGGCCCACAG, is a complex sequence change that results in the deletion of 3 and insertion of 3 amino acid(s) in the ABCC2 protein (p.Ile1489_Ile1491delinsGlyProGln). Information on the frequency of this variant in the gnomAD database is not available, as this variant may be reported differently in the database. This variant has been observed in individual(s) with Dubin-Johnson syndrome (PMID: 28397734). This variant is also known as c.4712_4720delinsGGCCCACAG. Experimental studies and prediction algorithms are not available or were not evaluated, and the functional significance of this variant is currently unknown. In summary, the available evidence is currently insufficient to determine the role of this variant in disease. Therefore, it has been classified as a Variant of Uncertain Significance.

Fulgent Genetics
Classification: Likely pathogenic for Dubin-Johnson syndrome. Last evaluated: 2024-05-22. Review status: criteria provided, single submitter. Criteria: ACMG Guidelines, 2015. Collection method: clinical testing. Allele origin: germline.

Women's Health and Genetics/Laboratory Corporation of America, LabCorp
Classification: Likely pathogenic for Dubin-Johnson syndrome. Last evaluated: 2024-05-14. Review status: criteria provided, single submitter. Criteria: LabCorp Variant Classification Summary - May 2015. Collection method: clinical testing. Allele origin: germline.
Comment: Variant summary: ABCC2 c.4465_4473delinsGGCCCACAG (p.Ile1489_Ile1491delinsGlyProGln) results in an in-frame deletion-insertion that is predicted to delete/insert 3 amino acids from the protein and thus cause changes in 3 amino acids. The variant was absent in 251470 control chromosomes (gnomAD). c.4465_4473delinsGGCCCACAG has been reported in the literature in individuals affected with Dubin-Johnson Syndrome (Jiang_2017, Zhao_2022, Zhou_2023). These data indicate that the variant is likely to be associated with disease. To our knowledge, no experimental evidence demonstrating an impact on protein function has been reported. The following publications have been ascertained in the context of this evaluation (PMID: 28397734, 36092886, 36092886). No submitters have cited clinical-significance assessments for this variant to ClinVar. Based on the evidence outlined above, the variant was classified as likely pathogenic.

Literature cited by the submitters: PubMed 28397734 (cited by Labcorp Genetics (formerly Invitae), Labcorp and Women's Health and Genetics/Laboratory Corporation of America, LabCorp); PubMed 36092886 (cited by Women's Health and Genetics/Laboratory Corporation of America, LabCorp).